The following is an entry in ClinVar:

ClinVar aggregate classification (germline): Uncertain significance (1 of 4 stars; one submission).

Allele frequency attached by ClinVar (database versions not stated): gnomAD exomes below 0.00001.
gnomAD v4.1: 3 of 1,612,300 alleles (0.00019%); highest among the groups gnomAD compares: Non-Finnish European, 0.00025%; no homozygotes.

Submission:

Labcorp Genetics (formerly Invitae), Labcorp
Classification: Uncertain significance. Last evaluated: 2021-09-30. Review status: criteria provided, single submitter. Criteria: Invitae Variant Classification Sherloc (09022015). Collection method: clinical testing. Allele origin: germline.
Comment: Advanced modeling of protein sequence and biophysical properties (such as structural, functional, and spatial information, amino acid conservation, physicochemical variation, residue mobility, and thermodynamic stability) performed at Invitae indicates that this missense variant is not expected to disrupt COL11A1 protein function. In summary, the available evidence is currently insufficient to determine the role of this variant in disease. Therefore, it has been classified as a Variant of Uncertain Significance. This variant has not been reported in the literature in individuals affected with COL11A1-related conditions. This variant is not present in population databases (ExAC no frequency). This sequence change replaces lysine with arginine at codon 108 of the COL11A1 protein (p.Lys108Arg). The lysine residue is highly conserved and there is a small physicochemical difference between lysine and arginine.

NM_001854.4(COL11A1):c.323A>G (p.Lys108Arg)

Gene: COL11A1 (collagen type XI alpha 1 chain; minus strand). Cytogenetic location: 1p21.1.
Variant type: single nucleotide variant.
Coding change: c.323A>G on transcript NM_001854.4 (MANE Select); coding-DNA position 323, A replaced by G.
Protein change: p.Lys108Arg; replaces lysine 108 with arginine.
Molecular consequence: missense variant. On other transcripts: non-coding transcript variant (1).
Genome position (GRCh38, 1-based): chr1:103,078,823, T>C on the plus strand (A>G on the coding strand, the complement: COL11A1 is on the minus strand). VCF-style: chr1-103078823-T-C. GRCh37 (hg19) VCF-style: chr1-103544379-T-C.
Other names: c.323A>G, p.Lys108Arg (NM_001190709.2, NM_080629.3, NM_080630.4); short protein forms K108R.
Identifiers: ClinVar variation 1383959 (VCV001383959.6), dbSNP rs1173736609, ClinGen allele CA341167988.